The following is an entry in ClinVar:

NM_002691.4(POLD1):c.2460_2467dup (p.Arg823fs)

Gene: POLD1 (DNA polymerase delta 1, catalytic subunit; plus strand). Cytogenetic location: 19q13.33.
Variant type: Duplication.
Coding change: c.2460_2467dup on transcript NM_002691.4 (MANE Select); coding-DNA positions 2460 to 2467, 8 bases duplicated (CCACGACC; older notation c.2460_2467dupCCACGACC).
Protein change: p.Arg823fs; shifts the reading frame from arginine 823.
Molecular consequence: frameshift variant. On other transcripts: non-coding transcript variant (1).
Genome position (GRCh38, 1-based): chr19:50,414,886-50,414,893, CCACGACC duplicated; duplicating any 8 consecutive bases within chr19:50,414,885-50,414,893 gives the same sequence; the c. name uses the placement nearest the transcript's 3' end. VCF-style (leftmost placement, unchanged base first): chr19-50414884-G-GCCCACGAC. GRCh37 (hg19) VCF-style: chr19-50918141-G-GCCCACGAC.
Other names: c.2460_2467dup, p.Arg823fs (NM_001256849.1); c.2538_2545dup, p.Arg849fs (NM_001308632.1); c.2460_2467dupCCACGACC (NM_002691.3, NM_002691.4); short protein forms R823fs, R849fs.
Identifiers: ClinVar variation 537069 (VCV000537069.15), dbSNP rs751309893, ClinGen allele CA9596534.

ClinVar aggregate classification (germline): Uncertain significance. Review status: criteria provided, multiple submitters, no conflicts (2 of 4 stars). 2 submissions from 2 submitters: Uncertain significance (2). Last evaluated 2025-03-04.

Conditions:
POLD1-related polyposis and colorectal cancer syndrome (CRCS10). Also called: Colorectal cancer 10; COLORECTAL CANCER, SUSCEPTIBILITY TO, ON CHROMOSOME 19q; Colorectal cancer, susceptibility to, 10. Identifiers: Orphanet 220460, MedGen C2675481, MONDO:0012953, OMIM 612591.

Submissions (2):

Center for Genomic Medicine, Rigshospitalet, Copenhagen University Hospital
Classification: Uncertain significance. Last evaluated: 2025-03-04. Review status: criteria provided, single submitter. Criteria: ACMG Guidelines, 2015. Collection method: clinical testing. Allele origin: germline.

Labcorp Genetics (formerly Invitae), Labcorp
Classification: Uncertain significance for POLD1-related polyposis and colorectal cancer syndrome. Last evaluated: 2023-09-30. Review status: criteria provided, single submitter. Criteria: Invitae Variant Classification Sherloc (09022015). Collection method: clinical testing. Allele origin: germline.
Comment: This variant is present in population databases (rs751309893, gnomAD 0.003%). This variant has not been reported in the literature in individuals affected with POLD1-related conditions. ClinVar contains an entry for this variant (Variation ID: 537069). In summary, the available evidence is currently insufficient to determine the role of this variant in disease. Therefore, it has been classified as a Variant of Uncertain Significance. This sequence change creates a premature translational stop signal (p.Arg823Profs*68) in the POLD1 gene. Missense variants that disrupt the 3'-5' exonuclease (proof-reading) activity of the POLD1 protein are associated with PPAP (polymerase proofreading–associated polyposis) (PMID: 23263490, 23447401). However, loss-of-function variants that result in an absent or severely disrupted POLD1 protein, and missense variants outside the exonuclease domain, are unlikely to be associated with PPAP.

Literature cited by the submitters: PubMed 23263490 (cited by Center for Genomic Medicine, Rigshospitalet, Copenhagen University Hospital and Labcorp Genetics (formerly Invitae), Labcorp); PubMed 32792570 (cited by Center for Genomic Medicine, Rigshospitalet, Copenhagen University Hospital); PubMed 23447401 (cited by Labcorp Genetics (formerly Invitae), Labcorp).